The following is an entry in ClinVar:

ClinVar aggregate classification (germline): Uncertain significance. Review status: criteria provided, multiple submitters, no conflicts (2 of 4 stars). 5 submissions from 5 submitters: Uncertain significance (5). Last evaluated 2025-10-03.

Conditions:
VPS13B-related disorder. Also called: VPS13B-related condition.
Inborn genetic diseases. Identifiers: MedGen C0950123, MeSH D030342.
Cohen syndrome (COH1). Also called: Cutis verticis gyrata, retinitis pigmentosa, and sensorineural deafness; PEPPER SYNDROME. Identifiers: Orphanet 193, MedGen C0265223, MONDO:0008999, OMIM 216550.

Allele frequency attached by ClinVar (database versions not stated): ExAC 0.00002; gnomAD exomes 0.00002; gnomAD 0.00004 and 0.00005; TOPMed 0.00004; 1000 Genomes Project 30x 0.00016; 1000 Genomes Project 0.00020.
gnomAD v4.1: 34 of 1,613,670 alleles (0.0021%); highest among the groups gnomAD compares: East Asian, 0.0067%; 1 homozygote.

Submissions (5):

PreventionGenetics, part of Exact Sciences
Classification: Uncertain significance for VPS13B-related condition. Last evaluated: 2025-10-03. Review status: criteria provided, single submitter. Criteria: ACMG Guidelines, 2015. Collection method: clinical testing. Allele origin: germline.
Comment: The VPS13B c.9593G>A variant is predicted to result in the amino acid substitution p.Arg3198Gln. To our knowledge, this variant has not been reported in the literature. This variant is reported in 0.0047% of alleles in individuals of European (Non-Finnish) descent in gnomAD. At this time, the clinical significance of this variant is uncertain due to the absence of conclusive functional and genetic evidence.

Ambry Genetics
Classification: Uncertain significance for Inborn genetic diseases. Last evaluated: 2024-10-03. Review status: criteria provided, single submitter. Criteria: Ambry Variant Classification Scheme 2023. Collection method: clinical testing. Allele origin: germline.

Labcorp Genetics (formerly Invitae), Labcorp
Classification: Uncertain significance for Cohen syndrome. Last evaluated: 2022-10-17. Review status: criteria provided, single submitter. Criteria: Invitae Variant Classification Sherloc (09022015). Collection method: clinical testing. Allele origin: germline.
Comment: This sequence change replaces arginine, which is basic and polar, with glutamine, which is neutral and polar, at codon 3223 of the VPS13B protein (p.Arg3223Gln). This variant is present in population databases (rs544366805, gnomAD 0.005%). This variant has not been reported in the literature in individuals affected with VPS13B-related conditions. ClinVar contains an entry for this variant (Variation ID: 212585). Advanced modeling of protein sequence and biophysical properties (such as structural, functional, and spatial information, amino acid conservation, physicochemical variation, residue mobility, and thermodynamic stability) performed at Invitae indicates that this missense variant is not expected to disrupt VPS13B protein function. In summary, the available evidence is currently insufficient to determine the role of this variant in disease. Therefore, it has been classified as a Variant of Uncertain Significance.

Fulgent Genetics
Classification: Uncertain significance for Cohen syndrome. Last evaluated: 2021-10-26. Review status: criteria provided, single submitter. Criteria: ACMG Guidelines, 2015. Collection method: clinical testing. Allele origin: unknown.

Genetic Services Laboratory, University of Chicago
Classification: Uncertain significance. Last evaluated: 2015-06-29. Review status: criteria provided, single submitter. Criteria: ACMG Guidelines, 2015. Collection method: clinical testing. Allele origin: germline.

NM_152564.5(VPS13B):c.9593G>A (p.Arg3198Gln)

Gene: VPS13B (vacuolar protein sorting 13 homolog B; plus strand). Cytogenetic location: 8q22.2.
Variant type: single nucleotide variant.
Coding change: c.9593G>A on transcript NM_152564.5 (MANE Select); coding-DNA position 9593, G replaced by A.
Protein change: p.Arg3198Gln; replaces arginine 3198 with glutamine.
Molecular consequence: missense variant.
Genome position (GRCh38, 1-based): chr8:99,832,631, G>A. VCF-style: chr8-99832631-G-A. GRCh37 (hg19) VCF-style: chr8-100844859-G-A.
Other names: c.9593G>A (NM_152564.4); c.9668G>A (NM_017890.3); c.9668G>A, p.Arg3223Gln (NM_017890.5); short protein forms R3198Q, R3223Q.
Identifiers: ClinVar variation 212585 (VCV000212585.11), dbSNP rs544366805, ClinGen allele CA206905.